The following is an entry in ClinVar:

ClinVar aggregate classification (germline): Benign. Review status: criteria provided, multiple submitters, no conflicts (2 of 4 stars). 2 submissions from 2 submitters: Benign (2). Last evaluated 2018-01-12.

Conditions:
Disorders of Intracellular Cobalamin Metabolism. Identifiers: MedGen CN043592.

Allele frequency attached by ClinVar (database versions not stated): gnomAD exomes 0.04286; gnomAD 0.12056 and 0.12174; TOPMed 0.13490; 1000 Genomes Project 0.18490; 1000 Genomes Project 30x 0.18660.
gnomAD v4.1: 18,250 of 152,262 alleles (12%); highest among the groups gnomAD compares: African/African-American, 32%; 2,450 homozygotes.

Submissions (2):

Illumina Laboratory Services, Illumina
Classification: Benign for Disorders of Intracellular Cobalamin Metabolism. Last evaluated: 2018-01-12. Review status: criteria provided, single submitter. Criteria: ICSL Variant Classification Criteria 13 December 2019. Collection method: clinical testing. Allele origin: germline.
Comment: This variant was observed in the ICSL laboratory as part of a predisposition screen in an ostensibly healthy population. It had not been previously curated by ICSL or reported in the Human Gene Mutation Database (HGMD: prior to June 1st, 2018), and was therefore a candidate for classification through an automated scoring system. Utilizing variant allele frequency, disease prevalence and penetrance estimates, and inheritance mode, an automated score was calculated to assess if this variant is too frequent to cause the disease. Based on the score and internal cut-off values, a variant classified as benign is not then subjected to further curation. The score for this variant resulted in a classification of benign for this disease.

Breakthrough Genomics
Classification: Benign. Review status: criteria provided, single submitter. Criteria: ACMG Guidelines, 2015. Collection method: not provided. Allele origin: germline. Inheritance: Autosomal recessive inheritance. Affected: yes.

NM_000254.3(MTR):c.*4286T>C

Gene: MTR (5-methyltetrahydrofolate-homocysteine methyltransferase; plus strand). Cytogenetic location: 1q43.
Variant type: single nucleotide variant.
Coding change: c.*4286T>C on transcript NM_000254.3 (MANE Select); 4286 bases downstream of the stop codon, T replaced by C.
Molecular consequence: 3 prime UTR variant.
Genome position (GRCh38, 1-based): chr1:236,901,930, T>C. VCF-style: chr1-236901930-T-C. GRCh37 (hg19) VCF-style: chr1-237065230-T-C.
Other names: c.*4286T>C (NM_001291939.1, NM_001291940.2).
Identifiers: ClinVar variation 296665 (VCV000296665.6), dbSNP rs6679990, ClinGen allele CA10610685.